The following is an entry in ClinVar:

ClinVar aggregate classification (germline): Pathogenic/Likely pathogenic. Review status: criteria provided, multiple submitters, no conflicts (2 of 4 stars). 6 submissions from 6 submitters: Pathogenic (5); Likely pathogenic (1). Last evaluated 2025-11-28.

Conditions:
Retinal dystrophy. Also called: Inherited retinal dystrophy. Identifiers: Orphanet 71862, MedGen C0854723, MeSH D058499, MONDO:0019118, HP:0000556.
EYS-related disorder. Also called: EYS-related condition.
Retinitis pigmentosa 25 (RP25). Identifiers: Orphanet 791, MedGen C1864446, MONDO:0011272, OMIM 602772.

Allele frequency attached by ClinVar (database versions not stated): gnomAD 0.00001; gnomAD exomes 0.00001.
gnomAD v4.1: 18 of 1,529,108 alleles (0.0012%); highest among the groups gnomAD compares: East Asian, 0.044%; no homozygotes.

Submissions (6):

Ophthalmology, Kobe City Eye Hospital
Classification: Likely pathogenic for Retinitis pigmentosa 25. Last evaluated: 2025-11-28. Review status: criteria provided, single submitter. Criteria: Fujinami et al. (Jpn J Ophthalmol. 2024). Collection method: research. Allele origin: germline. Affected: yes. Observed: 2 variant alleles.
Comment: This variant was classified according to the ACMG/AMP guidelines. PM2_Moderate: This variant is absent or extremely rare in large population databases such as gnomAD, supporting rarity consistent with a recessive condition. PM3_Strong: This variant was identified in confirmed trans configuration with a pathogenic EYS variant in an affected individual from our cohort, meeting the ClinGen criteria for applying PM3 at Strong strength. PP1_Supporting: The variant shows cosegregation with disease in multiple affected family members, providing supporting evidence for pathogenicity. Based on PM2_Moderate, PM3_Strong, and PP1_Supporting, this variant is classified as likely pathogenic.

Labcorp Genetics (formerly Invitae), Labcorp
Classification: Pathogenic. Last evaluated: 2025-11-19. Review status: criteria provided, single submitter. Criteria: Invitae Variant Classification Sherloc (09022015). Collection method: clinical testing. Allele origin: germline.
Comment: This sequence change replaces isoleucine, which is neutral and non-polar, with threonine, which is neutral and polar, at codon 2188 of the EYS protein (p.Ile2188Thr). This variant is not present in population databases (gnomAD no frequency). This missense change has been observed in individual(s) with autosomal recessive retinitis pigmentosa (PMID: 26161267, 29159838; internal data). In at least one individual the data is consistent with being in trans (on the opposite chromosome) from a pathogenic variant. ClinVar contains an entry for this variant (Variation ID: 943623). Invitae Evidence Modeling of protein sequence and biophysical properties (such as structural, functional, and spatial information, amino acid conservation, physicochemical variation, residue mobility, and thermodynamic stability) has been performed for this missense variant. However, the output from this modeling did not meet the statistical confidence thresholds required to predict the impact of this variant on EYS protein function. This variant disrupts the p.Ile2188 amino acid residue in EYS. Other variant(s) that disrupt this residue have been observed in individuals with EYS-related conditions (PMID: 31213501), which suggests that this may be a clinically significant amino acid residue. For these reasons, this variant has been classified as Pathogenic.

Natera, Inc.
Classification: Pathogenic for Retinitis pigmentosa type 25. Last evaluated: 2024-12-05. Review status: criteria provided, single submitter. Criteria: Natera Variant Classification Schema (03/2026). Collection method: clinical testing. Allele origin: germline.
Comment: The c.6563T>C variant in EYS is a missense variant predicted to cause substitution of isoleucine to threonine at amino acid 2188. This variant is rare in the general population with a frequency below the threshold expected for the associated phenotype(s). This variant has been observed in one or more individuals affected with the associated recessive disease, as either homozygous or compound heterozygous with a second variant (PMID: 32218477, 26161267). Computational prediction algorithms indicate this variant is likely to affect gene or protein function. Given the available evidence, this variant is classified as Pathogenic.

Baylor Genetics
Classification: Pathogenic for Retinitis pigmentosa 25. Last evaluated: 2024-02-27. Review status: criteria provided, single submitter. Criteria: ACMG Guidelines, 2015. Collection method: clinical testing. Allele origin: unknown.

Dept Of Ophthalmology, Nagoya University
Classification: Pathogenic for Retinal dystrophy. Last evaluated: 2023-10-01. Review status: criteria provided, single submitter. Criteria: Submitter's publication. Collection method: research. Allele origin: germline. Affected: yes.

Blueprint Genetics
Classification: Pathogenic for EYS-related disorders. Last evaluated: 2022-02-03. Review status: criteria provided, single submitter. Criteria: ACMG Guidelines, 2015. Collection method: clinical testing. Allele origin: germline. Affected: yes. Observed: 2 variant alleles.

Literature cited by the submitters: PubMed 26161267 (cited by Labcorp Genetics (formerly Invitae), Labcorp and Natera, Inc.); PubMed 29159838 (cited by Labcorp Genetics (formerly Invitae), Labcorp); PubMed 31213501 (cited by Labcorp Genetics (formerly Invitae), Labcorp); PubMed 32218477 (cited by Natera, Inc.).

NM_001142800.2(EYS):c.6563T>C (p.Ile2188Thr)

Gene: EYS (EGF-like photoreceptor maintenance factor; minus strand). Cytogenetic location: 6q12.
Variant type: single nucleotide variant.
Coding change: c.6563T>C on transcript NM_001142800.2 (MANE Select); coding-DNA position 6563, T replaced by C.
Protein change: p.Ile2188Thr; replaces isoleucine 2188 with threonine.
Molecular consequence: missense variant.
Genome position (GRCh38, 1-based): chr6:64,081,864, A>G on the plus strand (T>C on the coding strand, the complement: EYS is on the minus strand). VCF-style: chr6-64081864-A-G. GRCh37 (hg19) VCF-style: chr6-64791757-A-G.
Other names: c.6563T>C, p.Ile2188Thr (NM_001292009.2); short protein forms I2188T.
Identifiers: ClinVar variation 943623 (VCV000943623.16), dbSNP rs1562190751, ClinGen allele CA364390767.